The following is an entry in ClinVar:

NM_052947.4(ALPK2):c.5729T>C (p.Phe1910Ser)

Gene: ALPK2 (alpha kinase 2; minus strand). Cytogenetic location: 18q21.31.
Variant type: single nucleotide variant.
Coding change: c.5729T>C on transcript NM_052947.4 (MANE Select); coding-DNA position 5729, T replaced by C.
Protein change: p.Phe1910Ser; replaces phenylalanine 1910 with serine.
Molecular consequence: missense variant.
Genome position (GRCh38, 1-based): chr18:58,517,119, A>G on the plus strand (T>C on the coding strand, the complement: ALPK2 is on the minus strand). VCF-style: chr18-58517119-A-G. GRCh37 (hg19) VCF-style: chr18-56184351-A-G.
Other names: short protein forms F1910S.
Identifiers: ClinVar variation 2561790 (VCV002561790.2), dbSNP rs1201859760, ClinGen allele CA402549073.
Genomic context (GRCh38, chr18:58,517,119, plus strand): 5'-TGAACCCCTTCTCCAAAGTGCAGCTCCTCCGTGGCGATCTGACCACGCAGGCGGCCCCCA[A>G]AGTAGCTGTCATGGAGGAAGTCTTCTTTGAAGATGAGTTGGCTGAATTCAATCTCTTCAC-3'
Protein context (NP_443179.3, residues 1900-1920): FKEDFLHDSY[Phe1910Ser]GGRLRGQIAT

ClinVar aggregate classification (germline): Uncertain significance (1 of 4 stars; one submission).

Allele frequency attached by ClinVar (database versions not stated): TOPMed below 0.00001; gnomAD exomes 0.00001.
gnomAD v4.1: 3 of 1,614,198 alleles (0.00019%); highest among the groups gnomAD compares: African/African-American, 0.0013%; no homozygotes.

Submission:

Ambry Genetics
Classification: Uncertain significance. Last evaluated: 2023-05-27. Review status: criteria provided, single submitter. Criteria: Ambry Variant Classification Scheme 2023. Collection method: clinical testing. Allele origin: germline.
Comment: The p.F1910S variant (also known as c.5729T>C), located in coding exon 8 of the ALPK2 gene, results from a T to C substitution at nucleotide position 5729. The phenylalanine at codon 1910 is replaced by serine, an amino acid with highly dissimilar properties. This amino acid position is conserved. In addition, the in silico prediction for this alteration is inconclusive. Since supporting evidence is limited at this time, the clinical significance of this alteration remains unclear.